The following is an entry in ClinVar:

ClinVar aggregate classification (germline): Uncertain significance (1 of 4 stars; one submission).

Conditions:
Early Myoclonic Encephalopathy. Identifiers: MedGen C0270855.

Allele frequency attached by ClinVar (database versions not stated): TOPMed below 0.00001.
gnomAD v4.1: 1 of 1,613,814 alleles (0.000062%); highest among the groups gnomAD compares: Non-Finnish European, 0.000085%; no homozygotes.

Submission:

Labcorp Genetics (formerly Invitae), Labcorp
Classification: Uncertain significance for Early Myoclonic Encephalopathy. Last evaluated: 2022-04-21. Review status: criteria provided, single submitter. Criteria: Invitae Variant Classification Sherloc (09022015). Collection method: clinical testing. Allele origin: germline.
Comment: In summary, the available evidence is currently insufficient to determine the role of this variant in disease. Therefore, it has been classified as a Variant of Uncertain Significance. Advanced modeling of protein sequence and biophysical properties (such as structural, functional, and spatial information, amino acid conservation, physicochemical variation, residue mobility, and thermodynamic stability) performed at Invitae indicates that this missense variant is not expected to disrupt KCND2 protein function. This variant has not been reported in the literature in individuals affected with KCND2-related conditions. This variant is not present in population databases (gnomAD no frequency). This sequence change replaces aspartic acid, which is acidic and polar, with asparagine, which is neutral and polar, at codon 151 of the KCND2 protein (p.Asp151Asn).

NM_012281.3(KCND2):c.451G>A (p.Asp151Asn)

Gene: KCND2 (potassium voltage-gated channel subfamily D member 2; plus strand). Cytogenetic location: 7q31.31.
Variant type: single nucleotide variant.
Coding change: c.451G>A on transcript NM_012281.3 (MANE Select); coding-DNA position 451, G replaced by A.
Protein change: p.Asp151Asn; replaces aspartic acid 151 with asparagine.
Molecular consequence: missense variant.
Genome position (GRCh38, 1-based): chr7:120,275,083, G>A. VCF-style: chr7-120275083-G-A. GRCh37 (hg19) VCF-style: chr7-119915137-G-A.
Other names: short protein forms D151N.
Identifiers: ClinVar variation 1913839 (VCV001913839.5), dbSNP rs1285609642, ClinGen allele CA369131636.